The following is an entry in ClinVar:

ClinVar aggregate classification (germline): Benign/Likely benign. Review status: criteria provided, multiple submitters, no conflicts (2 of 4 stars). 6 submissions from 6 submitters: Benign (1); Likely benign (4). 1 of the submissions does not count toward it. Last evaluated 2026-01-29.

Conditions:
POLD1-related polyposis and colorectal cancer syndrome (CRCS10). Also called: Colorectal cancer, susceptibility to, 10; Colorectal cancer 10; COLORECTAL CANCER, SUSCEPTIBILITY TO, ON CHROMOSOME 19q. Identifiers: Orphanet 220460, MedGen C2675481, MONDO:0012953, OMIM 612591.
Polymerase proofreading-related adenomatous polyposis. Also called: Polymerase proofreading associated polyposis; Polymerase proofreading–associated polyposis (PPAP). Identifiers: Orphanet 447877, MedGen C5202613, MONDO:0018653.
POLD1-related disorder. Also called: POLD1-related disorders; POLD1-related condition.
Hereditary cancer-predisposing syndrome. Also called: Neoplastic Syndromes, Hereditary; Hereditary neoplastic syndrome; Hereditary Cancer Syndrome; Tumor predisposition. Identifiers: Orphanet 140162, MedGen C0027672, MeSH D009386, MONDO:0015356.

Allele frequency attached by ClinVar (database versions not stated): gnomAD 0.00002 and 0.00004; TOPMed 0.00003.

Submissions (6):

Labcorp Genetics (formerly Invitae), Labcorp
Classification: Benign for POLD1-related polyposis and colorectal cancer syndrome. Last evaluated: 2026-01-29. Review status: criteria provided, single submitter. Criteria: Invitae Variant Classification Sherloc (09022015). Collection method: clinical testing. Allele origin: germline.

Department of Pathology and Laboratory Medicine, Sinai Health System
Classification: Likely benign for Polymerase proofreading-related adenomatous polyposis. Last evaluated: 2023-04-04. Review status: criteria provided, single submitter. Criteria: ACMG Guidelines, 2015. Collection method: clinical testing. Allele origin: germline. Affected: yes.

Blueprint Genetics
Classification: Likely benign. Last evaluated: 2021-12-30. Review status: criteria provided, single submitter. Criteria: ACMG Guidelines, 2015. Collection method: clinical testing. Allele origin: germline.

GeneDx
Classification: Likely benign. Last evaluated: 2019-12-03. Review status: criteria provided, single submitter. Criteria: GeneDx Variant Classification Process June 2021. Collection method: clinical testing. Allele origin: germline. Affected: yes.

Ambry Genetics
Classification: Likely benign for Hereditary cancer-predisposing syndrome. Last evaluated: 2015-10-18. Review status: criteria provided, single submitter. Criteria: Ambry Variant Classification Scheme 2023. Collection method: clinical testing. Allele origin: germline.

PreventionGenetics, part of Exact Sciences
Classification: Likely benign for POLD1-related condition. Last evaluated: 2022-09-27. Review status: no assertion criteria provided. Collection method: clinical testing. Allele origin: germline. Not counted in ClinVar's aggregate classification.
Comment: This variant is classified as likely benign based on ACMG/AMP sequence variant interpretation guidelines (Richards et al. 2015 PMID: 25741868, with internal and published modifications).

NM_002691.4(POLD1):c.663C>A (p.Ala221=)

Gene: POLD1 (DNA polymerase delta 1, catalytic subunit; plus strand). Cytogenetic location: 19q13.33.
Variant type: single nucleotide variant.
Coding change: c.663C>A on transcript NM_002691.4 (MANE Select); coding-DNA position 663, C replaced by A.
Protein change: p.Ala221=; no amino-acid change (alanine 221 retained).
Molecular consequence: synonymous variant. On other transcripts: non-coding transcript variant (1).
Genome position (GRCh38, 1-based): chr19:50,402,278, C>A. VCF-style: chr19-50402278-C-A. GRCh37 (hg19) VCF-style: chr19-50905535-C-A.
Other names: c.663C>A, p.Ala221= (NM_001256849.1, NM_001308632.1).
Identifiers: ClinVar variation 385309 (VCV000385309.23), dbSNP rs778927849, ClinGen allele CA9595855.